The following is an entry in ClinVar:

NM_015166.4(MLC1):c.377T>A (p.Leu126Ter)

Gene: MLC1 (modulator of VRAC current 1; minus strand). Cytogenetic location: 22q13.33.
Variant type: single nucleotide variant.
Coding change: c.377T>A on transcript NM_015166.4 (MANE Select); coding-DNA position 377, T replaced by A.
Protein change: p.Leu126Ter; replaces leucine 126 with a stop codon.
Molecular consequence: nonsense. On other transcripts: non-coding transcript variant (3), intron variant (3).
Genome position (GRCh38, 1-based): chr22:50,079,964, A>T on the plus strand (T>A on the coding strand, the complement: MLC1 is on the minus strand). VCF-style: chr22-50079964-A-T. GRCh37 (hg19) VCF-style: chr22-50518393-A-T.
Other names: c.377T>A, p.Leu126Ter (NM_001376472.1, NM_001376473.1, NM_001376474.1 and 6 more transcripts); c.287T>A, p.Leu96Ter (NM_001376480.1); c.140T>A, p.Leu47Ter (NM_001376484.1); c.268-2462T>A (NM_001376482.1, NM_001376483.1); c.321+380T>A (NM_001376481.1); short protein forms L126*, L47*, L96*.
Identifiers: ClinVar variation 983682 (VCV000983682.3), dbSNP rs2062078281, ClinGen allele CA412110670.
Genomic context (GRCh38, chr22:50,079,964, plus strand): 5'-TCGTGTGAACTCACGTTTATTGCTGATGGGTTCAGGACTAGTTTGCATCCAAACCAAATT[A>T]AACACGTAGTGGTCACAGCAAACGTGGAAACAAACAATATCTGAAAGTTGGGAATCTGAA-3'

ClinVar aggregate classification (germline): Likely pathogenic (1 of 4 stars; one submission).

Conditions:
Megalencephalic leukoencephalopathy with subcortical cysts 1 (MLC1). Also called: LEUKOENCEPHALOPATHY WITH SWELLING AND CYSTS; VACUOLATING MEGALENCEPHALIC LEUKOENCEPHALOPATHY WITH SUBCORTICAL CYSTS. Identifiers: Orphanet 2478, MedGen C5779875, MONDO:0024555, OMIM 604004.

Submission:

Myriad Genetics, Inc.
Classification: Likely pathogenic for Megalencephalic leukoencephalopathy with subcortical cysts 1. Last evaluated: 2019-07-22. Review status: criteria provided, single submitter. Criteria: Myriad Women's Health Autosomal Recessive and X-Linked Classification Criteria (2019). Collection method: clinical testing. Allele origin: unknown.
Comment: NM_015166.3(MLC1):c.377T>A(L126*) is expected to be pathogenic in the context of megalencephalic leukoencephalopathy with subcortical cysts. This variant is predicted to lead to an abnormal or absent protein product due to the creation of a premature termination codon in MLC1, a gene where loss-of-function variants are known to be pathogenic. Please note: this variant was assessed in the context of healthy population screening.